The following is an entry in ClinVar:

ClinVar aggregate classification (germline): Uncertain significance (1 of 4 stars; one submission).

Submission:

Women's Health and Genetics/Laboratory Corporation of America, LabCorp
Classification: Uncertain significance. Last evaluated: 2025-03-26. Review status: criteria provided, single submitter. Criteria: LabCorp Variant Classification Summary - May 2015. Collection method: clinical testing. Allele origin: germline.
Comment: Variant summary: TRIO c.37G>A (p.Ala13Thr) results in a non-conservative amino acid change in the encoded protein sequence. Three of four in-silico tools predict a benign effect of the variant on protein function. The variant was absent in 318 control chromosomes (gnomAD). The available data on variant occurrences in the general population are insufficient to allow any conclusion about variant significance. To our knowledge, no occurrence of c.37G>A in individuals affected with TRIO-Related Intellectual Disability and no experimental evidence demonstrating its impact on protein function have been reported. No submitters have cited clinical-significance assessments for this variant to ClinVar. Based on the evidence outlined above, the variant was classified as uncertain significance.

NM_007118.4(TRIO):c.37G>A (p.Ala13Thr)

Gene: TRIO (trio Rho guanine nucleotide exchange factor; plus strand). Cytogenetic location: 5p15.2.
Variant type: single nucleotide variant.
Coding change: c.37G>A on transcript NM_007118.4 (MANE Select); coding-DNA position 37, G replaced by A.
Protein change: p.Ala13Thr; replaces alanine 13 with threonine.
Molecular consequence: missense variant. On other transcripts: non-coding transcript variant (1).
Genome position (GRCh38, 1-based): chr5:14,143,762, G>A. VCF-style: chr5-14143762-G-A. GRCh37 (hg19) VCF-style: chr5-14143871-G-A.
Other names: short protein forms A13T.
Identifiers: ClinVar variation 3895940 (VCV003895940.1).